The following is an entry in ClinVar:

ClinVar aggregate classification (germline): Pathogenic/Likely pathogenic. Review status: criteria provided, multiple submitters, no conflicts (2 of 4 stars). 6 submissions from 6 submitters: Pathogenic (3); Likely pathogenic (1). 2 of the submissions do not count toward it. Last evaluated 2025-02-16.

Conditions:
Lamellar ichthyosis. Identifiers: Orphanet 313, MedGen C5848247, MONDO:0017778.
Autosomal recessive congenital ichthyosis 1 (LI1). Also called: ICHTHYOSIS CONGENITA; ICHTHYOSIS CONGENITA II; LAMELLAR EXFOLIATION OF NEWBORN; ICHTHYOSIS, CONGENITAL, AUTOSOMAL RECESSIVE 1, WITH BATHING SUIT DISTRIBUTION; ICHTHYOSIS, CONGENITAL, AUTOSOMAL RECESSIVE 1, WITH OR WITHOUT BATHING SUIT DISTRIBUTION; COLLODION FETUS. Identifiers: MedGen C4551630, MONDO:0009441, OMIM 242300.

Allele frequency attached by ClinVar (database versions not stated): TOPMed 0.00001; 1000 Genomes Project 30x 0.00031; 1000 Genomes Project 0.00040.

Submissions (7):

Natera, Inc.
Classification: Pathogenic for Autosomal recessive congenital ichthyosis type 1. Last evaluated: 2025-02-16. Review status: criteria provided, single submitter. Criteria: Natera Variant Classification Schema (03/2026). Collection method: clinical testing. Allele origin: germline.
Comment: The c.919C>T variant in TGM1 is a missense variant predicted to cause substitution of arginine to tryptophan at amino acid 307. This variant is rare in the general population with a frequency below the threshold expected for the associated phenotype(s). This variant has been observed in one or more individuals affected with the associated recessive disease, as either homozygous or compound heterozygous with a second variant (PMID: 32965503, 31046801, 19890349). Computational prediction algorithms indicate this variant is likely to affect gene or protein function. Given the available evidence, this variant is classified as Pathogenic.

Labcorp Genetics (formerly Invitae), Labcorp
Classification: Pathogenic. Last evaluated: 2023-01-08. Review status: criteria provided, single submitter. Criteria: Invitae Variant Classification Sherloc (09022015). Collection method: clinical testing. Allele origin: germline.
Comment: For these reasons, this variant has been classified as Pathogenic. This variant disrupts the p.Arg307 amino acid residue in TGM1. Other variant(s) that disrupt this residue have been determined to be pathogenic (PMID: 16968736, 19863506, 26076875, 27025581, 28403434). This suggests that this residue is clinically significant, and that variants that disrupt this residue are likely to be disease-causing. Advanced modeling of protein sequence and biophysical properties (such as structural, functional, and spatial information, amino acid conservation, physicochemical variation, residue mobility, and thermodynamic stability) has been performed at Invitae for this missense variant, however the output from this modeling did not meet the statistical confidence thresholds required to predict the impact of this variant on TGM1 protein function. ClinVar contains an entry for this variant (Variation ID: 12499). This missense change has been observed in individuals with lamellar ichthyosis and self-improving collodion ichthyosis (PMID: 11407995, 11511296, 19262603, 20167857, 21895619, 24419105). This variant is present in population databases (rs121918731, gnomAD 0.02%). This sequence change replaces arginine, which is basic and polar, with tryptophan, which is neutral and slightly polar, at codon 307 of the TGM1 protein (p.Arg307Trp).

Women's Health and Genetics/Laboratory Corporation of America, LabCorp
Classification: Pathogenic for Lamellar ichthyosis. Last evaluated: 2022-08-23. Review status: criteria provided, single submitter. Criteria: LabCorp Variant Classification Summary - May 2015. Collection method: clinical testing. Allele origin: germline.
Comment: Variant summary: TGM1 c.919C>T (p.Arg307Trp) results in a non-conservative amino acid change in the encoded protein sequence. Five of five in-silico tools predict a damaging effect of the variant on protein function. The variant allele was found at a frequency of 2e-05 in 248966 control chromosomes (gnomAD). c.919C>T has been reported in the literature as a biallelic genotype in multiple individuals affected with Lamellar Ichthyosis, predominantly from individuals of East Asian descent (e.g. Akiyama_2001, Muramatsu_2004, Sakai_2009, Yamamoto_2012, Yang_2001). These data indicate that the variant is very likely to be associated with disease. When TGase 1 activity was assayed in cultured keratocytes from a compound heterozygous proband and their unaffected carrier parent, there was 5% activity in the proband and 50% activity in the carrier parent, suggesting the variant may have limited functionality (Yang_2001). Four ClinVar submitters have assessed the variant since 2014: one classified the variant as likely pathogenic and three as pathogenic. Based on the evidence outlined above, the variant was classified as pathogenic.

Genome-Nilou Lab
Classification: Likely pathogenic for Autosomal recessive congenital ichthyosis 1. Review status: criteria provided, single submitter. Criteria: ACMG Guidelines, 2015. Collection method: clinical testing. Allele origin: germline.

Medical Genetics Laboratory, West China Hospital, Sichuan University
No classification provided (evidence only). Condition: Autosomal recessive congenital ichthyosis 1. Last evaluated: 2020-01-17. Review status: no classification provided. Criteria: ACMG Guidelines, 2015. Collection method: in vitro. Allele origin: not applicable. Inheritance: Autosomal recessive inheritance. Functional consequence: variation affecting protein. Not counted in ClinVar's aggregate classification.
Comment: Variant c.919 C>T was evaluated to be deleterious by PolyPhen-2, PROVEAN and Mutation Taster and amino acid was highly conserved in multiple species. Additionally, in vitro functional studies indicated that TGM1 protein expression levels significantly decreased in cells with c.919 C>T mutation.

"Pathogenic" was previously submitted as the classification for the variant. However, the classification appeared to be based only on an observation of functional data so it was converted to no classification on 2025-07-30.

Counsyl
Classification: Likely pathogenic for Autosomal recessive congenital ichthyosis 1. Last evaluated: 2018-02-26. Review status: no assertion criteria provided. Collection method: clinical testing. Allele origin: unknown. Not counted in ClinVar's aggregate classification.

OMIM
Classification: Pathogenic for ICHTHYOSIS, CONGENITAL, AUTOSOMAL RECESSIVE 1, WITH BATHING SUIT DISTRIBUTION. Last evaluated: 2001-08-01. Review status: no assertion criteria provided. Collection method: literature only. Allele origin: germline. Not counted in ClinVar's aggregate classification.

Literature cited by the submitters: PubMed 32965503 (cited by Natera, Inc.); PubMed 31046801 (cited by Natera, Inc.); PubMed 19890349 (cited by Natera, Inc.); PubMed 16968736 (cited by Labcorp Genetics (formerly Invitae), Labcorp); PubMed 19863506 (cited by Labcorp Genetics (formerly Invitae), Labcorp); PubMed 26076875 (cited by Labcorp Genetics (formerly Invitae), Labcorp); PubMed 27025581 (cited by Labcorp Genetics (formerly Invitae), Labcorp); PubMed 28403434 (cited by Labcorp Genetics (formerly Invitae), Labcorp); PubMed 11407995 (cited by 4 submitters); PubMed 11511296 (cited by 4 submitters); PubMed 19262603 (cited by 3 submitters); PubMed 20167857 (cited by Labcorp Genetics (formerly Invitae), Labcorp); PubMed 21895619 (cited by 3 submitters); PubMed 24419105 (cited by Labcorp Genetics (formerly Invitae), Labcorp and Counsyl); PubMed 14996130 (cited by Women's Health and Genetics/Laboratory Corporation of America, LabCorp and Counsyl).

NM_000359.3(TGM1):c.919C>T (p.Arg307Trp)

Gene: TGM1 (transglutaminase 1; minus strand). Cytogenetic location: 14q12.
Variant type: single nucleotide variant.
Coding change: c.919C>T on transcript NM_000359.3 (MANE Select); coding-DNA position 919, C replaced by T.
Protein change: p.Arg307Trp; replaces arginine 307 with tryptophan.
Molecular consequence: missense variant.
Genome position (GRCh38, 1-based): chr14:24,259,769, G>A on the plus strand (C>T on the coding strand, the complement: TGM1 is on the minus strand). VCF-style: chr14-24259769-G-A. GRCh37 (hg19) VCF-style: chr14-24728975-G-A.
Other names: R306W; short protein forms R307W.
Identifiers: ClinVar variation 12499 (VCV000012499.22), dbSNP rs121918731, ClinGen allele CA256476.
Genomic context (GRCh38, chr14:24,259,769, plus strand): 5'-CAGAGATGACCCGGGAGACATTGACTGGGTCTCCACGGCCTCCATATGGCATCCCCCGCC[G>A]GTCCAGGATGTATAAGCAGGCATCCAGCACCCCGTGGTCAAACTGGAAGGAGGGATGGAG-3'
Protein context (NP_000350.1, residues 297-317): VLDACLYILD[Arg307Trp]RGMPYGGRGD